The following is an entry in ClinVar:

ClinVar aggregate classification (germline): Uncertain significance. Review status: criteria provided, multiple submitters, no conflicts (2 of 4 stars). 2 submissions from 2 submitters: Uncertain significance (2). Last evaluated 2024-05-31.

Conditions:
Bardet-Biedl syndrome 12 (BBS12). Identifiers: Orphanet 110, MedGen C1859570, MONDO:0014440, OMIM 615989.
Bardet-Biedl syndrome (BBS). Identifiers: Orphanet 110, MedGen C0752166, MONDO:0015229.

Allele frequency attached by ClinVar (database versions not stated): gnomAD 0.00001.
gnomAD v4.1: 2 of 1,614,134 alleles (0.00012%); highest among the groups gnomAD compares: Admixed American, 0.0033%; no homozygotes.

Submissions (2):

Fulgent Genetics
Classification: Uncertain significance for Bardet-Biedl syndrome 12. Last evaluated: 2024-05-31. Review status: criteria provided, single submitter. Criteria: ACMG Guidelines, 2015. Collection method: clinical testing. Allele origin: germline.

Labcorp Genetics (formerly Invitae), Labcorp
Classification: Uncertain significance for Bardet-Biedl syndrome. Last evaluated: 2021-09-01. Review status: criteria provided, single submitter. Criteria: Invitae Variant Classification Sherloc (09022015). Collection method: clinical testing. Allele origin: germline.
Comment: This sequence change replaces arginine with tryptophan at codon 239 of the BBS12 protein (p.Arg239Trp). The arginine residue is moderately conserved and there is a moderate physicochemical difference between arginine and tryptophan. This variant is not present in population databases (ExAC no frequency). This variant has not been reported in the literature in individuals affected with BBS12-related conditions. Algorithms developed to predict the effect of missense changes on protein structure and function are either unavailable or do not agree on the potential impact of this missense change (SIFT: "Deleterious"; PolyPhen-2: "Possibly Damaging"; Align-GVGD: "Class C0"). In summary, the available evidence is currently insufficient to determine the role of this variant in disease. Therefore, it has been classified as a Variant of Uncertain Significance.

NM_152618.3(BBS12):c.715A>T (p.Arg239Trp)

Gene: BBS12 (Bardet-Biedl syndrome 12; plus strand). Cytogenetic location: 4q27.
Variant type: single nucleotide variant.
Coding change: c.715A>T on transcript NM_152618.3 (MANE Select); coding-DNA position 715, A replaced by T.
Protein change: p.Arg239Trp; replaces arginine 239 with tryptophan.
Molecular consequence: missense variant.
Genome position (GRCh38, 1-based): chr4:122,742,607, A>T. VCF-style: chr4-122742607-A-T. GRCh37 (hg19) VCF-style: chr4-123663762-A-T.
Other names: c.715A>T, p.Arg239Trp (NM_001178007.2); short protein forms R239W.
Identifiers: ClinVar variation 1000831 (VCV001000831.3), dbSNP rs1800898589, ClinGen allele CA358223535.